The following is an entry in ClinVar:

ClinVar aggregate classification (germline): Pathogenic/Likely pathogenic. Review status: criteria provided, multiple submitters, no conflicts (2 of 4 stars). 2 submissions from 2 submitters: Pathogenic (1); Likely pathogenic (1). Last evaluated 2024-08-02.

Conditions:
Ataxia-telangiectasia syndrome (AT). Also called: LOUIS-BAR SYNDROME; Cerebello-oculocutaneous telangiectasia; Immunodeficiency with ataxia telangiectasia; Ataxia telangiectasia (A-T); Ataxia-telangiectasia, complementation group D; AT, COMPLEMENTATION GROUP C. Identifiers: Orphanet 100, MedGen C0004135, MONDO:0008840, OMIM 208900.

Submissions (2):

Natera, Inc.
Classification: Likely pathogenic for Ataxia-telangiectasia. Last evaluated: 2024-08-02. Review status: criteria provided, single submitter. Criteria: Natera Variant Classification Schema (03/2026). Collection method: clinical testing. Allele origin: germline.
Comment: The c.7750dup variant in ATM is a frameshift variant predicted to shift the reading frame beginning at codon 2584 and leads to a stop codon 2 codons downstream. This variant is expected to result in nonsense mediated decay, truncation, or a dysfunctional protein product. This variant is rare in the general population with a frequency below the threshold expected for the associated phenotype(s). Given the available evidence, this variant is classified as Likely Pathogenic.

Labcorp Genetics (formerly Invitae), Labcorp
Classification: Pathogenic for Ataxia-telangiectasia syndrome. Last evaluated: 2024-03-17. Review status: criteria provided, single submitter. Criteria: Invitae Variant Classification Sherloc (09022015). Collection method: clinical testing. Allele origin: germline.
Comment: This sequence change creates a premature translational stop signal (p.Thr2584Asnfs*2) in the ATM gene. It is expected to result in an absent or disrupted protein product. Loss-of-function variants in ATM are known to be pathogenic (PMID: 23807571, 25614872). This variant is not present in population databases (gnomAD no frequency). This variant has not been reported in the literature in individuals affected with ATM-related conditions. Algorithms developed to predict the effect of sequence changes on RNA splicing suggest that this variant may disrupt the consensus splice site. For these reasons, this variant has been classified as Pathogenic.

Literature cited by the submitters: PubMed 23807571 (cited by Labcorp Genetics (formerly Invitae), Labcorp); PubMed 25614872 (cited by Labcorp Genetics (formerly Invitae), Labcorp).

NM_000051.4(ATM):c.7750dup (p.Thr2584fs)

Genes: ATM (ATM serine/threonine kinase; plus strand), C11orf65 (chromosome 11 open reading frame 65; minus strand). Cytogenetic location: 11q22.3.
Variant type: Duplication.
Coding change: c.7750dup on transcript NM_000051.4 (MANE Select); coding-DNA position 7750, one base duplicated (A; older notation c.7750dupA).
Protein change: p.Thr2584fs; shifts the reading frame from threonine 2584.
Molecular consequence: frameshift variant. On other transcripts: intron variant (2).
Genome position (GRCh38, 1-based): chr11:108,331,999, A duplicated; the last of 2 consecutive A bases (chr11:108,331,998-108,331,999); duplicating either gives the same sequence. VCF-style (leftmost placement, unchanged base first): chr11-108331997-T-TA. GRCh37 (hg19) VCF-style: chr11-108202724-T-TA.
Other names: c.7750dup, p.Thr2584fs (NM_001351834.2); c.641-22927dup (NM_001330368.2); c.*38+3222dup (NM_001351110.2); short protein forms T2584fs.
Identifiers: ClinVar variation 2765302 (VCV002765302.3), dbSNP rs2547285601, ClinGen allele CA2697558876.